The following is an entry in ClinVar:

ClinVar aggregate classification (germline): Uncertain significance (1 of 4 stars; one submission).

Conditions:
PCNT-related disorder. Also called: PCNT-related condition.

gnomAD v4.1: 11 of 1,614,228 alleles (0.00068%); highest among the groups gnomAD compares: Non-Finnish European, 0.00076%; no homozygotes.

Submission:

PreventionGenetics, part of Exact Sciences
Classification: Uncertain significance for PCNT-related condition. Last evaluated: 2024-12-13. Review status: criteria provided, single submitter. Criteria: ACMG Guidelines, 2015. Collection method: clinical testing. Allele origin: germline.
Comment: The PCNT c.3019C>A variant is predicted to result in the amino acid substitution p.Leu1007Ile. To our knowledge, this variant has not been reported in the literature or in a large population database (gnomAD), indicating this variant is rare. At this time, the clinical significance of this variant is uncertain due to the absence of conclusive functional and genetic evidence.

NM_006031.6(PCNT):c.3019C>A (p.Leu1007Ile)

Gene: PCNT (pericentrin; plus strand). Cytogenetic location: 21q22.3.
Variant type: single nucleotide variant.
Coding change: c.3019C>A on transcript NM_006031.6 (MANE Select); coding-DNA position 3019, C replaced by A.
Protein change: p.Leu1007Ile; replaces leucine 1007 with isoleucine.
Molecular consequence: missense variant.
Genome position (GRCh38, 1-based): chr21:46,366,993, C>A. VCF-style: chr21-46366993-C-A. GRCh37 (hg19) VCF-style: chr21-47786908-C-A.
Other names: c.2665C>A, p.Leu889Ile (NM_001315529.2); short protein forms L1007I, L889I.
Identifiers: ClinVar variation 4990801 (VCV004990801.1).